The following is an entry in ClinVar:

NM_177438.3(DICER1):c.2935G>C (p.Asp979His)

Gene: DICER1 (dicer 1, ribonuclease III; minus strand). Cytogenetic location: 14q32.13.
Variant type: single nucleotide variant.
Coding change: c.2935G>C on transcript NM_177438.3 (MANE Select); coding-DNA position 2935, G replaced by C.
Protein change: p.Asp979His; replaces aspartic acid 979 with histidine.
Molecular consequence: missense variant. On other transcripts: non-coding transcript variant (6).
Genome position (GRCh38, 1-based): chr14:95,106,093, C>G on the plus strand (G>C on the coding strand, the complement: DICER1 is on the minus strand). VCF-style: chr14-95106093-C-G. GRCh37 (hg19) VCF-style: chr14-95572430-C-G.
Other names: c.2935G>C, p.Asp979His (NM_001195573.1, NM_001271282.3, NM_001291628.2 and 13 more transcripts); c.2653G>C, p.Asp885His (NM_001395686.1); c.2530G>C, p.Asp844His (NM_001395687.1, NM_001395688.1, NM_001395689.1 and 2 more transcripts); c.2368G>C, p.Asp790His (NM_001395691.1); c.1252G>C, p.Asp418His (NM_001395697.1); short protein forms D844H, D885H, D418H, D790H, D979H.
Identifiers: ClinVar variation 2821227 (VCV002821227.3), dbSNP rs2139999189, ClinGen allele CA390878913.

ClinVar aggregate classification (germline): Uncertain significance (1 of 4 stars; one submission).

Conditions:
DICER1-related tumor predisposition. Also called: DICER1-related pleuropulmonary blastoma cancer predisposition syndrome; DICER1 syndrome. Identifiers: Orphanet 284343, MedGen C3839822, MONDO:0100216.

Submission:

Labcorp Genetics (formerly Invitae), Labcorp
Classification: Uncertain significance for DICER1-related tumor predisposition. Last evaluated: 2022-12-15. Review status: criteria provided, single submitter. Criteria: Invitae Variant Classification Sherloc (09022015). Collection method: clinical testing. Allele origin: germline.
Comment: In summary, the available evidence is currently insufficient to determine the role of this variant in disease. Therefore, it has been classified as a Variant of Uncertain Significance. Advanced modeling of protein sequence and biophysical properties (such as structural, functional, and spatial information, amino acid conservation, physicochemical variation, residue mobility, and thermodynamic stability) performed at Invitae indicates that this missense variant is not expected to disrupt DICER1 protein function. This variant has not been reported in the literature in individuals affected with DICER1-related conditions. This variant is not present in population databases (gnomAD no frequency). This sequence change replaces aspartic acid, which is acidic and polar, with histidine, which is basic and polar, at codon 979 of the DICER1 protein (p.Asp979His).